The following is an entry in ClinVar:

ClinVar aggregate classification (germline): Uncertain significance. Review status: criteria provided, multiple submitters, no conflicts (2 of 4 stars). 2 submissions from 2 submitters: Uncertain significance (2). Last evaluated 2025-11-03.

Conditions:
Inborn genetic diseases. Identifiers: MedGen C0950123, MeSH D030342.
Infantile-onset ascending hereditary spastic paralysis (IAHSP). Also called: Autosomal Recessive Juvenile Amyotrophic Lateral Sclerosis; Infantile-Onset Ascending Hereditary Spastic Paralysis (IAHSP). Identifiers: Orphanet 293168, MedGen C2931441, MONDO:0011797, OMIM 607225. Disease mechanism: loss of function.

Allele frequency attached by ClinVar (database versions not stated): gnomAD 0.00001; TOPMed 0.00001; ExAC 0.00002; gnomAD exomes 0.00003 and 0.00004.
gnomAD v4.1: 43 of 1,614,054 alleles (0.0027%); highest among the groups gnomAD compares: South Asian, 0.02%; no homozygotes.

Submissions (2):

Ambry Genetics
Classification: Uncertain significance for Inborn genetic diseases. Last evaluated: 2025-11-03. Review status: criteria provided, single submitter. Criteria: Ambry Variant Classification Scheme 2023. Collection method: clinical testing. Allele origin: germline.

Labcorp Genetics (formerly Invitae), Labcorp
Classification: Uncertain significance for Infantile-onset ascending hereditary spastic paralysis. Last evaluated: 2021-10-13. Review status: criteria provided, single submitter. Criteria: Invitae Variant Classification Sherloc (09022015). Collection method: clinical testing. Allele origin: germline.
Comment: This sequence change replaces arginine with histidine at codon 1330 of the ALS2 protein (p.Arg1330His). The arginine residue is moderately conserved and there is a small physicochemical difference between arginine and histidine. This variant is present in population databases (rs766208922, ExAC 0.01%). This variant has not been reported in the literature in individuals with ALS2-related conditions. Algorithms developed to predict the effect of missense changes on protein structure and function (SIFT, PolyPhen-2, Align-GVGD) all suggest that this variant is likely to be tolerated, but these predictions have not been confirmed by published functional studies and their clinical significance is uncertain. In summary, the available evidence is currently insufficient to determine the role of this variant in disease. Therefore, it has been classified as a Variant of Uncertain Significance.

NM_020919.4(ALS2):c.3989G>A (p.Arg1330His)

Gene: ALS2 (alsin Rho guanine nucleotide exchange factor ALS2; minus strand). Cytogenetic location: 2q33.1.
Variant type: single nucleotide variant.
Coding change: c.3989G>A on transcript NM_020919.4 (MANE Select); coding-DNA position 3989, G replaced by A.
Protein change: p.Arg1330His; replaces arginine 1330 with histidine.
Molecular consequence: missense variant.
Genome position (GRCh38, 1-based): chr2:201,715,687, C>T on the plus strand (G>A on the coding strand, the complement: ALS2 is on the minus strand). VCF-style: chr2-201715687-C-T. GRCh37 (hg19) VCF-style: chr2-202580410-C-T.
Other names: c.3989G>A (NM_020919.3); short protein forms R1330H.
Identifiers: ClinVar variation 1493828 (VCV001493828.4), dbSNP rs766208922, ClinGen allele CA2057708.